The following is an entry in ClinVar:

NM_014391.3(ANKRD1):c.652-9A>G

Gene: ANKRD1 (ankyrin repeat domain 1; minus strand). Cytogenetic location: 10q23.31.
Variant type: single nucleotide variant.
Coding change: c.652-9A>G on transcript NM_014391.3 (MANE Select); 9 bases into the intron before coding-DNA position 652, A replaced by G.
Molecular consequence: intron variant.
Genome position (GRCh38, 1-based): chr10:90,915,889, T>C on the plus strand (A>G on the coding strand, the complement: ANKRD1 is on the minus strand). VCF-style: chr10-90915889-T-C. GRCh37 (hg19) VCF-style: chr10-92675646-T-C.
Identifiers: ClinVar variation 1373636 (VCV001373636.6), dbSNP rs1370116797, ClinGen allele CA594973207.
Genomic context (GRCh38, chr10:90,915,889, plus strand): 5'-CGCACTCATAGTGGCCAGTCCTCACCGCCACATGCAGCGCTGTGCTGAGCAACTGGAAAA[T>C]TGGAAAACGCTGCTGATTCGCTAGGAATGAGGACAGAGGCTGTCCCAGACCCCAAGACAT-3'

ClinVar aggregate classification (germline): Uncertain significance (1 of 4 stars; one submission).

Conditions:
ANKRD1-related dilated cardiomyopathy. Identifiers: MedGen CN119551.

Allele frequency attached by ClinVar (database versions not stated): gnomAD exomes below 0.00001.

Submission:

Labcorp Genetics (formerly Invitae), Labcorp
Classification: Uncertain significance for ANKRD1-related dilated cardiomyopathy. Last evaluated: 2022-07-17. Review status: criteria provided, single submitter. Criteria: Invitae Variant Classification Sherloc (09022015). Collection method: clinical testing. Allele origin: germline.
Comment: ClinVar contains an entry for this variant (Variation ID: 1373636). Algorithms developed to predict the effect of sequence changes on RNA splicing suggest that this variant may disrupt the consensus splice site. In summary, the available evidence is currently insufficient to determine the role of this variant in disease. Therefore, it has been classified as a Variant of Uncertain Significance. This sequence change falls in intron 6 of the ANKRD1 gene. It does not directly change the encoded amino acid sequence of the ANKRD1 protein. This variant is present in population databases (no rsID available, gnomAD 0.006%). This variant has not been reported in the literature in individuals affected with ANKRD1-related conditions.